The following is an entry in ClinVar:

NM_000264.5(PTCH1):c.1664A>G (p.Asn555Ser)

Gene: PTCH1 (patched 1; minus strand). Cytogenetic location: 9q22.32.
Variant type: single nucleotide variant.
Coding change: c.1664A>G on transcript NM_000264.5 (MANE Select); coding-DNA position 1664, A replaced by G.
Protein change: p.Asn555Ser; replaces asparagine 555 with serine.
Molecular consequence: missense variant. On other transcripts: non-coding transcript variant (1).
Genome position (GRCh38, 1-based): chr9:95,476,098, T>C on the plus strand (A>G on the coding strand, the complement: PTCH1 is on the minus strand). VCF-style: chr9-95476098-T-C. GRCh37 (hg19) VCF-style: chr9-98238380-T-C.
Other names: c.1466A>G, p.Asn489Ser (NM_001083602.3); c.1661A>G, p.Asn554Ser (NM_001083603.3); c.1211A>G, p.Asn404Ser (NM_001083604.3, NM_001083605.3, NM_001083606.3 and 1 more transcripts); c.1508A>G, p.Asn503Ser (NM_001354918.2); c.1664A>G (NM_000264.4); short protein forms N489S, N555S, N404S, N503S, N554S.
Identifiers: ClinVar variation 220341 (VCV000220341.23), dbSNP rs181192122, ClinGen allele CA348658.
Genomic context (GRCh38, chr9:95,476,098, plus strand): 5'-AGGGAGAACGCCCGCAGAGCGGGAATTGGGATTAACGCGGCCATGAAGAAGGCTGTGACA[T>C]TGCTGATGGACGTGAGGGCCACGCTGGCTCCTGTGCGCTTCAGGCACTCCCCGGTCCTGT-3'
Protein context (NP_000255.2, residues 545-565): GASVALTSIS[Asn555Ser]VTAFFMAALI

ClinVar aggregate classification (germline): Conflicting classifications of pathogenicity. Review status: criteria provided, conflicting classifications (1 of 4 stars). 7 submissions from 6 submitters: Uncertain significance (4); Likely benign (3). Last evaluated 2026-01-20.

Conditions:
Hereditary cancer-predisposing syndrome. Also called: Neoplastic Syndromes, Hereditary; Tumor predisposition; Hereditary Cancer Syndrome; Hereditary neoplastic syndrome. Identifiers: Orphanet 140162, MedGen C0027672, MeSH D009386, MONDO:0015356.
Gorlin syndrome. Also called: Nevoid Basal Cell Carcinoma Syndrome; Basal cell nevus syndrome. Identifiers: Orphanet 377, MedGen C0004779, MONDO:0007187.
Holoprosencephaly 7 (HPE7). Identifiers: Orphanet 2162, MedGen C1835820, MONDO:0012562, OMIM 610828.
PTCH1-related disorder. Also called: PTCH1-related disorders; PTCH1-related condition.

Allele frequency attached by ClinVar (database versions not stated): gnomAD exomes 0.00003 and 0.00005; TOPMed 0.00003; gnomAD 0.00004 and 0.00005; ExAC 0.00010; 1000 Genomes Project 0.00020; 1000 Genomes Project 30x 0.00031.
gnomAD v4.1: 56 of 1,613,882 alleles (0.0035%); highest among the groups gnomAD compares: Admixed American, 0.012%; no homozygotes.

Submissions (7):

Labcorp Genetics (formerly Invitae), Labcorp
Classification: Likely benign for Gorlin syndrome. Last evaluated: 2026-01-20. Review status: criteria provided, single submitter. Criteria: Invitae Variant Classification Sherloc (09022015). Collection method: clinical testing. Allele origin: germline.

Quest Diagnostics Nichols Institute San Juan Capistrano
Classification: Uncertain significance. Last evaluated: 2025-08-08. Review status: criteria provided, single submitter. Criteria: Quest Diagnostics criteria. Collection method: clinical testing. Allele origin: unknown.
Comment: The PTCH1 c.1664A>G (p.Asn555Ser) variant has not been reported in individuals with PTCH1-related conditions in the published literature. The frequency of this variant in the general population (Genome Aggregation Database) is higher than would generally be expected for pathogenic variants in this gene. Analysis of this variant using bioinformatics tools for the prediction of the effect of amino acid changes on protein structure and function yielded predictions that this variant is damaging. Based on the available information, we are unable to determine the clinical significance of this variant.

Center for Genomic Medicine, Rigshospitalet, Copenhagen University Hospital
Classification: Uncertain significance. Last evaluated: 2025-03-04. Review status: criteria provided, single submitter. Criteria: ACMG Guidelines, 2015. Collection method: clinical testing. Allele origin: germline.
Comment: Classification criteria: PP3

PreventionGenetics, part of Exact Sciences
Classification: Likely benign for PTCH1-related condition. Last evaluated: 2025-02-12. Review status: criteria provided, single submitter. Criteria: ACMG Guidelines, 2015. Collection method: clinical testing. Allele origin: germline.
Comment: This variant is classified as likely benign based on ACMG/AMP sequence variant interpretation guidelines (Richards et al. 2015 PMID: 25741868, with internal and published modifications).

Ambry Genetics
Classification: Likely benign for Hereditary cancer-predisposing syndrome. Last evaluated: 2020-03-30. Review status: criteria provided, single submitter. Criteria: Ambry Variant Classification Scheme 2023. Collection method: clinical testing. Allele origin: germline.

Illumina Laboratory Services, Illumina
Classification: Uncertain significance for Holoprosencephaly 7. Last evaluated: 2017-04-28. Review status: criteria provided, single submitter. Criteria: ICSL Variant Classification Criteria 13 December 2019. Collection method: clinical testing. Allele origin: germline.

Illumina Laboratory Services, Illumina
Classification: Uncertain significance for Basal cell nevus syndrome 1. Last evaluated: 2017-04-28. Review status: criteria provided, single submitter. Criteria: ICSL Variant Classification Criteria 13 December 2019. Collection method: clinical testing. Allele origin: germline.

Literature cited by the submitters: PubMed 27561271 (cited by Ambry Genetics).